The following is an entry in ClinVar:

ClinVar aggregate classification (germline): Uncertain significance. Review status: criteria provided, multiple submitters, no conflicts (2 of 4 stars). 2 submissions from 2 submitters: Uncertain significance (2). Last evaluated 2026-03-05.

Allele frequency attached by ClinVar (database versions not stated): ExAC 0.00001; gnomAD exomes 0.00001; TOPMed 0.00001.
gnomAD v4.1: 2 of 1,614,110 alleles (0.00012%); highest among the groups gnomAD compares: Admixed American, 0.0033%; no homozygotes.

Submissions (2):

Women's Health and Genetics/Laboratory Corporation of America, LabCorp
Classification: Uncertain significance. Last evaluated: 2026-03-05. Review status: criteria provided, single submitter. Criteria: LabCorp Variant Classification Summary - May 2015. Collection method: clinical testing. Allele origin: germline.

Labcorp Genetics (formerly Invitae), Labcorp
Classification: Uncertain significance. Last evaluated: 2024-05-20. Review status: criteria provided, single submitter. Criteria: Invitae Variant Classification Sherloc (09022015). Collection method: clinical testing. Allele origin: germline.
Comment: This sequence change replaces threonine, which is neutral and polar, with isoleucine, which is neutral and non-polar, at codon 225 of the COL7A1 protein (p.Thr225Ile). This variant is present in population databases (rs764789081, gnomAD 0.006%). This variant has not been reported in the literature in individuals affected with COL7A1-related conditions. ClinVar contains an entry for this variant (Variation ID: 1472993). Advanced modeling of protein sequence and biophysical properties (such as structural, functional, and spatial information, amino acid conservation, physicochemical variation, residue mobility, and thermodynamic stability) performed at Invitae indicates that this missense variant is not expected to disrupt COL7A1 protein function with a negative predictive value of 95%. In summary, the available evidence is currently insufficient to determine the role of this variant in disease. Therefore, it has been classified as a Variant of Uncertain Significance.

NM_000094.4(COL7A1):c.674C>T (p.Thr225Ile)

Gene: COL7A1 (collagen type VII alpha 1 chain; minus strand). Cytogenetic location: 3p21.31.
Variant type: single nucleotide variant.
Coding change: c.674C>T on transcript NM_000094.4 (MANE Select); coding-DNA position 674, C replaced by T.
Protein change: p.Thr225Ile; replaces threonine 225 with isoleucine.
Molecular consequence: missense variant.
Genome position (GRCh38, 1-based): chr3:48,593,110, G>A on the plus strand (C>T on the coding strand, the complement: COL7A1 is on the minus strand). VCF-style: chr3-48593110-G-A. GRCh37 (hg19) VCF-style: chr3-48630543-G-A.
Other names: short protein forms T225I.
Identifiers: ClinVar variation 1472993 (VCV001472993.9), dbSNP rs764789081, ClinGen allele CA2381492.